The following is an entry in ClinVar:

ClinVar aggregate classification (germline): Uncertain significance (1 of 4 stars; one submission).

Conditions:
CEP164-related disorder. Also called: CEP164-related condition.

Submission:

PreventionGenetics, part of Exact Sciences
Classification: Uncertain significance for CEP164-related condition. Last evaluated: 2025-10-03. Review status: criteria provided, single submitter. Criteria: ACMG Guidelines, 2015. Collection method: clinical testing. Allele origin: germline.
Comment: The CEP164 c.2894A>G variant is predicted to result in the amino acid substitution p.Gln965Arg. To our knowledge, this variant has not been reported in the literature or in a large population database (gnomAD), indicating this variant is rare. At this time, the clinical significance of this variant is uncertain due to the absence of conclusive functional and genetic evidence.

NM_014956.5(CEP164):c.2894A>G (p.Gln965Arg)

Gene: CEP164 (centrosomal protein 164; plus strand). Cytogenetic location: 11q23.3.
Variant type: single nucleotide variant.
Coding change: c.2894A>G on transcript NM_014956.5 (MANE Select); coding-DNA position 2894, A replaced by G.
Protein change: p.Gln965Arg; replaces glutamine 965 with arginine.
Molecular consequence: missense variant.
Genome position (GRCh38, 1-based): chr11:117,395,172, A>G. VCF-style: chr11-117395172-A-G. GRCh37 (hg19) VCF-style: chr11-117265888-A-G.
Other names: c.2903A>G, p.Gln968Arg (NM_001271933.2, NM_001440949.1); c.2894A>G, p.Gln965Arg (NM_001440950.1, NM_001440951.1, NM_001440953.1); c.2729A>G, p.Gln910Arg (NM_001440952.1, NM_001440968.1, NM_001440969.1); c.2816A>G, p.Gln939Arg (NM_001440954.1, NM_001440955.1, NM_001440958.1 and 1 more transcripts); c.2807A>G, p.Gln936Arg (NM_001440956.1, NM_001440957.1); c.2765A>G, p.Gln922Arg (NM_001440960.1); c.2756A>G, p.Gln919Arg (NM_001440961.1, NM_001440967.1); c.2747A>G, p.Gln916Arg (NM_001440962.1, NM_001440963.1, NM_001440964.1 and 4 more transcripts); and 7 more; short protein forms Q840R, Q910R, Q936R, Q922R, Q968R, Q820R, Q846R, Q869R.
Identifiers: ClinVar variation 4984514 (VCV004984514.1).